The following is an entry in ClinVar:

NM_002691.4(POLD1):c.154G>A (p.Glu52Lys)

Gene: POLD1 (DNA polymerase delta 1, catalytic subunit; plus strand). Cytogenetic location: 19q13.33.
Variant type: single nucleotide variant.
Coding change: c.154G>A on transcript NM_002691.4 (MANE Select); coding-DNA position 154, G replaced by A.
Protein change: p.Glu52Lys; replaces glutamic acid 52 with lysine.
Molecular consequence: missense variant. On other transcripts: non-coding transcript variant (1).
Genome position (GRCh38, 1-based): chr19:50,399,005, G>A. VCF-style: chr19-50399005-G-A. GRCh37 (hg19) VCF-style: chr19-50902262-G-A.
Other names: c.154G>A, p.Glu52Lys (NM_001256849.1, NM_001308632.1); c.154G>A (NM_002691.2); short protein forms E52K.
Identifiers: ClinVar variation 537126 (VCV000537126.11), dbSNP rs984358794, ClinGen allele CA309597869.

ClinVar aggregate classification (germline): Uncertain significance. Review status: criteria provided, multiple submitters, no conflicts (2 of 4 stars). 2 submissions from 2 submitters: Uncertain significance (2). Last evaluated 2025-09-14.

Conditions:
Hereditary cancer-predisposing syndrome. Also called: Tumor predisposition; Neoplastic Syndromes, Hereditary; Hereditary Cancer Syndrome; Hereditary neoplastic syndrome. Identifiers: Orphanet 140162, MedGen C0027672, MeSH D009386, MONDO:0015356.
POLD1-related polyposis and colorectal cancer syndrome (CRCS10). Also called: Colorectal cancer 10; COLORECTAL CANCER, SUSCEPTIBILITY TO, ON CHROMOSOME 19q; Colorectal cancer, susceptibility to, 10. Identifiers: Orphanet 220460, MedGen C2675481, MONDO:0012953, OMIM 612591.

Allele frequency attached by ClinVar (database versions not stated): TOPMed below 0.00001; gnomAD 0.00001.

Submissions (2):

Ambry Genetics
Classification: Uncertain significance for Hereditary cancer-predisposing syndrome. Last evaluated: 2025-09-14. Review status: criteria provided, single submitter. Criteria: Ambry Variant Classification Scheme 2023. Collection method: clinical testing. Allele origin: germline.
Comment: The p.E52K variant (also known as c.154G>A), located in coding exon 1 of the POLD1 gene, results from a G to A substitution at nucleotide position 154. The glutamic acid at codon 52 is replaced by lysine, an amino acid with similar properties. This amino acid position is conserved. In addition, this alteration is predicted to be tolerated by in silico analysis. Since supporting evidence is limited at this time, the clinical significance of this alteration remains unclear.

Labcorp Genetics (formerly Invitae), Labcorp
Classification: Uncertain significance for POLD1-related polyposis and colorectal cancer syndrome. Last evaluated: 2025-06-09. Review status: criteria provided, single submitter. Criteria: Invitae Variant Classification Sherloc (09022015). Collection method: clinical testing. Allele origin: germline.
Comment: This sequence change replaces glutamic acid, which is acidic and polar, with lysine, which is basic and polar, at codon 52 of the POLD1 protein (p.Glu52Lys). This variant is not present in population databases (gnomAD no frequency). This variant has not been reported in the literature in individuals affected with POLD1-related conditions. ClinVar contains an entry for this variant (Variation ID: 537126). An algorithm developed to predict the effect of missense changes on protein structure and function (PolyPhen-2) suggests that this variant is likely to be disruptive. In summary, the available evidence is currently insufficient to determine the role of this variant in disease. Therefore, it has been classified as a Variant of Uncertain Significance.